The following is an entry in ClinVar:

NM_001303457.2(TTI1):c.1311G>A (p.Glu437=)

Gene: TTI1 (TELO2 interacting protein 1; minus strand). Cytogenetic location: 20q11.23.
Variant type: single nucleotide variant.
Coding change: c.1311G>A on transcript NM_001303457.2 (MANE Select); coding-DNA position 1311, G replaced by A.
Protein change: p.Glu437=; no amino-acid change (glutamic acid 437 retained).
Molecular consequence: synonymous variant.
Genome position (GRCh38, 1-based): chr20:38,012,506, C>T on the plus strand (G>A on the coding strand, the complement: TTI1 is on the minus strand). VCF-style: chr20-38012506-C-T. GRCh37 (hg19) VCF-style: chr20-36640908-C-T.
Other names: c.1311G>A, p.Glu437= (NM_014657.3).
Identifiers: ClinVar variation 738704 (VCV000738704.9), dbSNP rs148366227, ClinGen allele CA9849492.
Genomic context (GRCh38, chr20:38,012,506, plus strand): 5'-ATTCAGATCATCAGAGTTCCAACGCCGTTCCTCAACAATCTTGATGTCAGCCACGTCTAG[C>T]TCTAGAACTTGGATGAGTGCTTTGGAAAGCCGCTGGAGATGGGCCACAGAGTTGAGGACA-3'
Protein context (NP_001290386.1, residues 427-447): RLSKALIQVL[Glu437=]LDVADIKIVE

ClinVar aggregate classification (germline): Likely benign. Review status: criteria provided, multiple submitters, no conflicts (2 of 4 stars). 2 submissions from 2 submitters: Likely benign (2). Last evaluated 2025-11-01.

Allele frequency attached by ClinVar (database versions not stated): ESP Exome Variant Server 0.00031; gnomAD 0.00033 and 0.00038; TOPMed 0.00036; ExAC 0.00040; gnomAD exomes 0.00046.
gnomAD v4.1: 427 of 1,614,102 alleles (0.026%); highest among the groups gnomAD compares: Middle Eastern, 0.066%; no homozygotes.

Submissions (2):

CeGaT Center for Human Genetics Tuebingen
Classification: Likely benign. Last evaluated: 2025-11-01. Review status: criteria provided, single submitter. Criteria: CeGaT Center For Human Genetics Tuebingen Variant Classification Criteria Version 2. Collection method: clinical testing. Allele origin: germline. Affected: yes. Observed: 1 variant allele.
Comment: TTI1: BP4, BP7

Labcorp Genetics (formerly Invitae), Labcorp
Classification: Likely benign. Last evaluated: 2018-07-10. Review status: criteria provided, single submitter. Criteria: Invitae Variant Classification Sherloc (09022015). Collection method: clinical testing. Allele origin: germline.